The following is an entry in ClinVar:

ClinVar aggregate classification (germline): Pathogenic (1 of 4 stars; one submission).

Conditions:
DONSON-related microcephaly-short stature-limb abnormalities spectrum. Identifiers: Orphanet 572761, MedGen C5681722, MONDO:0035534.

Submission:

Victorian Clinical Genetics Services, Murdoch Childrens Research Institute
Classification: Pathogenic for DONSON-related microcephaly-short stature-limb abnormalities spectrum. Last evaluated: 2025-05-28. Review status: criteria provided, single submitter. Criteria: ACMG Guidelines, 2015. Collection method: clinical testing. Allele origin: germline. Affected: no.
Comment: This variant is classified as Pathogenic. Evidence in support of pathogenic classification: Variant is predicted to cause nonsense-mediated decay (NMD) and loss of protein (premature termination codon is located at least 54 nucleotides upstream of the final exon-exon junction); Variant is present in gnomAD <0.01 for a recessive condition (v4: 6 heterozygote(s), 0 homozygote(s)); Other NMD-predicted variant(s) comparable to the one identified in this case have very strong previous evidence for pathogenicity (DECIPHER). Additional information: This variant is heterozygous; This gene is associated with autosomal recessive disease; This variant has no previous evidence of pathogenicity; No published segregation evidence has been identified for this variant; No published functional evidence has been identified for this variant; Loss of function is a known mechanism of disease in this gene and is associated with microcephaly, short stature, and limb abnormalities (MIM#617604) and microcephaly-micromelia syndrome (MIM#251230).

NM_017613.4(DONSON):c.557_561del (p.Leu186fs)

Gene: DONSON (DNA replication fork stabilization factor DONSON; minus strand). Cytogenetic location: 21q22.11.
Variant type: Deletion.
Coding change: c.557_561del on transcript NM_017613.4 (MANE Select); coding-DNA positions 557 to 561, 5 bases deleted (TTGTC; older notation c.557_561delTTGTC).
Protein change: p.Leu186fs; shifts the reading frame from leucine 186.
Molecular consequence: frameshift variant.
Genome position (GRCh38, 1-based): chr21:33,586,023-33,586,027, GACAA deleted on the plus strand (TTGTC on the coding strand, the reverse complement: DONSON is on the minus strand); deleting any 5 consecutive bases within chr21:33,586,023-33,586,030 gives the same sequence; the c. name uses the placement nearest the transcript's 3' end. VCF-style (leftmost placement, unchanged base first): chr21-33586022-GGACAA-G. GRCh37 (hg19) VCF-style: chr21-34958328-GGACAA-G.
Other names: short protein forms L186fs.
Identifiers: ClinVar variation 4531765 (VCV004531765.1).